The following is an entry in ClinVar:

NM_022041.4(GAN):c.1727C>T (p.Ala576Val)

Gene: GAN (gigaxonin; plus strand). Cytogenetic location: 16q23.2.
Variant type: single nucleotide variant.
Coding change: c.1727C>T on transcript NM_022041.4 (MANE Select); coding-DNA position 1727, C replaced by T.
Protein change: p.Ala576Val; replaces alanine 576 with valine.
Molecular consequence: missense variant.
Genome position (GRCh38, 1-based): chr16:81,377,529, C>T. VCF-style: chr16-81377529-C-T. GRCh37 (hg19) VCF-style: chr16-81411134-C-T.
Other names: c.1088C>T, p.Ala363Val (NM_001377486.1); short protein forms A576V, A363V.
Identifiers: ClinVar variation 2144987 (VCV002144987.1), dbSNP rs537289482, ClinGen allele CA285124908.

ClinVar aggregate classification (germline): Uncertain significance (1 of 4 stars; one submission).

Conditions:
Giant axonal neuropathy 1 (GAN1). Also called: GIANT AXONAL NEUROPATHY 1, AUTOSOMAL RECESSIVE; GAN-Related Neurodegeneration. Identifiers: Orphanet 643, MedGen C1850386, MONDO:0009749, OMIM 256850.

Allele frequency attached by ClinVar (database versions not stated): gnomAD exomes below 0.00001; TOPMed below 0.00001; gnomAD 0.00001.
gnomAD v4.1: 4 of 1,614,148 alleles (0.00025%); highest among the groups gnomAD compares: Admixed American, 0.0017%; no homozygotes.

Submission:

Labcorp Genetics (formerly Invitae), Labcorp
Classification: Uncertain significance for Giant axonal neuropathy 1. Last evaluated: 2022-07-23. Review status: criteria provided, single submitter. Criteria: Invitae Variant Classification Sherloc (09022015). Collection method: clinical testing. Allele origin: germline.
Comment: This sequence change replaces alanine, which is neutral and non-polar, with valine, which is neutral and non-polar, at codon 576 of the GAN protein (p.Ala576Val). This variant is not present in population databases (gnomAD no frequency). This variant has not been reported in the literature in individuals affected with GAN-related conditions. Algorithms developed to predict the effect of missense changes on protein structure and function are either unavailable or do not agree on the potential impact of this missense change (SIFT: "Deleterious"; PolyPhen-2: "Benign"; Align-GVGD: "Class C0"). In summary, the available evidence is currently insufficient to determine the role of this variant in disease. Therefore, it has been classified as a Variant of Uncertain Significance.